The following is an entry in ClinVar:

NM_019109.5(ALG1):c.1292C>T (p.Ala431Val)

Genes: ALG1 (ALG1 chitobiosyldiphosphodolichol beta-mannosyltransferase; plus strand), EEF2KMT (eukaryotic elongation factor 2 lysine methyltransferase; minus strand). Cytogenetic location: 16p13.3.
Variant type: single nucleotide variant.
Coding change: c.1292C>T on transcript NM_019109.5 (MANE Select); coding-DNA position 1292, C replaced by T.
Protein change: p.Ala431Val; replaces alanine 431 with valine.
Molecular consequence: missense variant. On other transcripts: 3 prime UTR variant (3).
Genome position (GRCh38, 1-based): chr16:5,084,778, C>T. VCF-style: chr16-5084778-C-T. GRCh37 (hg19) VCF-style: chr16-5134779-C-T.
Other names: c.*854G>A (NM_001289029.2, NM_201400.4, NM_201598.4); c.959C>T, p.Ala320Val (NM_001330504.2); short protein forms A320V, A431V.
Identifiers: ClinVar variation 1591223 (VCV001591223.12), dbSNP rs370439294, ClinGen allele CA7890329.

ClinVar aggregate classification (germline): Conflicting classifications of pathogenicity. Review status: criteria provided, conflicting classifications (1 of 4 stars). 4 submissions from 4 submitters: Uncertain significance (3); Likely benign (1). Last evaluated 2026-01-31.

Conditions:
ALG1-congenital disorder of glycosylation. Also called: CONGENITAL DISORDER OF GLYCOSYLATION, TYPE Ik; CDG Ik; ALG1-CDG. Identifiers: Orphanet 79327, MedGen C2931005, MONDO:0012052, OMIM 608540.

Allele frequency attached by ClinVar (database versions not stated): ExAC 0.00011; gnomAD 0.00024; TOPMed 0.00034; ESP Exome Variant Server 0.00041; 1000 Genomes Project 30x 0.00047; 1000 Genomes Project 0.00060.

Submissions (4):

Labcorp Genetics (formerly Invitae), Labcorp
Classification: Likely benign for ALG1-congenital disorder of glycosylation. Last evaluated: 2026-01-31. Review status: criteria provided, single submitter. Criteria: Invitae Variant Classification Sherloc (09022015). Collection method: clinical testing. Allele origin: germline.

Fulgent Genetics
Classification: Uncertain significance for ALG1-congenital disorder of glycosylation. Last evaluated: 2024-05-31. Review status: criteria provided, single submitter. Criteria: ACMG Guidelines, 2015. Collection method: clinical testing. Allele origin: germline.

GeneDx
Classification: Uncertain significance. Last evaluated: 2022-04-28. Review status: criteria provided, single submitter. Criteria: GeneDx Variant Classification Process June 2021. Collection method: clinical testing. Allele origin: germline. Affected: yes.
Comment: In silico analysis supports that this missense variant does not alter protein structure/function; Has not been previously published as pathogenic or benign to our knowledge

Blueprint Genetics
Classification: Uncertain significance. Last evaluated: 2019-09-20. Review status: criteria provided, single submitter. Criteria: ACMG Guidelines, 2015. Collection method: clinical testing. Allele origin: germline.